The following is an entry in ClinVar:

ClinVar aggregate classification (germline): Pathogenic. Review status: criteria provided, multiple submitters, no conflicts (2 of 4 stars). 3 submissions from 3 submitters: Pathogenic (2). 1 of the submissions does not count toward it. Last evaluated 2023-12-04.

Conditions:
Recessive dystrophic epidermolysis bullosa (RDEB). Also called: DYSTROPHIC EPIDERMOLYSIS BULLOSA, AUTOSOMAL RECESSIVE; EPIDERMOLYSIS BULLOSA DYSTROPHICA, HALLOPEAU-SIEMENS TYPE; epidermolysis bullosa dystrophica, autosomal recessive; severe generalized recessive dystrophic epidermolysis bullosa; Recessive DEB (RDEB); EPIDERMOLYSIS BULLOSA DYSTROPHICA, GENERALIZED SEVERE, AUTOSOMAL RECESSIVE. Identifiers: Orphanet 79408, Orphanet 79409, MedGen C0079474, MONDO:0009179, OMIM 226600.

Allele frequency attached by ClinVar (database versions not stated): gnomAD exomes below 0.00001; TOPMed below 0.00001.

Submissions (3):

GeneDx
Classification: Pathogenic. Last evaluated: 2023-12-04. Review status: criteria provided, single submitter. Criteria: GeneDx Variant Classification Process June 2021. Collection method: clinical testing. Allele origin: germline. Affected: yes.
Comment: Observed with a pathogenic variant on the opposite allele (in trans) in patients with RDEB referred for genetic testing at GeneDx and in published literature (PMID: 29531004); Initiation codon variant in a gene for which loss of function is a known mechanism of disease; Not observed at significant frequency in large population cohorts (gnomAD); This variant is associated with the following publications: (PMID: 36139606, 29531004)

Undiagnosed Diseases Network, NIH
Classification: Pathogenic for Recessive dystrophic epidermolysis bullosa. Last evaluated: 2018-03-07. Review status: criteria provided, single submitter. Criteria: ACMG Guidelines, 2015. Collection method: clinical testing. Allele origin: unknown. Inheritance: Autosomal recessive inheritance. Affected: yes. Observed: 1 variant allele, 1 compound heterozygote. Study: Undiagnosed Diseases Network (NIH), UDN.

Gansu Province Medical Genetics Center
Classification: Pathogenic for Recessive dystrophic epidermolysis bullosa. Review status: no assertion criteria provided. Collection method: clinical testing. Allele origin: paternal. Affected: yes. Not counted in ClinVar's aggregate classification.

NM_000094.4(COL7A1):c.1A>G (p.Met1Val)

Gene: COL7A1 (collagen type VII alpha 1 chain; minus strand). Cytogenetic location: 3p21.31.
Variant type: single nucleotide variant.
Coding change: c.1A>G on transcript NM_000094.4 (MANE Select); coding-DNA position 1, A replaced by G.
Protein change: p.Met1Val; changes the start codon (methionine 1).
Molecular consequence: missense variant, initiator codon variant.
Genome position (GRCh38, 1-based): chr3:48,595,159, T>C on the plus strand (A>G on the coding strand, the complement: COL7A1 is on the minus strand). VCF-style: chr3-48595159-T-C. GRCh37 (hg19) VCF-style: chr3-48632592-T-C.
Other names: short protein forms M1V.
Identifiers: ClinVar variation 424625 (VCV000424625.8), dbSNP rs1064797078, ClinGen allele CA16621531.
Genomic context (GRCh38, chr3:48,595,159, plus strand): 5'-CTCGGGGCGCCTCTGCCAGGATCCCGGCGCAGAGCGCGGCCACCAGAAGCCGCAGCGTCA[T>C]CCTAGGCAGTAAAAGCCGTCAGCTAGGACCCCCGCCTCTGTCCCTTGCTCCCCCGTGGCC-3'
Protein context (NP_000085.1, residues 1-11): [Met1Val]TLRLLVAALC